The following is an entry in ClinVar:

ClinVar aggregate classification (germline): Uncertain significance. Review status: criteria provided, multiple submitters, no conflicts (2 of 4 stars). 3 submissions from 3 submitters: Uncertain significance (3). Last evaluated 2024-03-04.

Conditions:
Inborn genetic diseases. Identifiers: MedGen C0950123, MeSH D030342.

Allele frequency attached by ClinVar (database versions not stated): ExAC 0.00001; TOPMed 0.00001.
gnomAD v4.1: 8 of 1,611,858 alleles (0.0005%); highest among the groups gnomAD compares: Non-Finnish European, 0.00059%; no homozygotes.

Submissions (3):

Labcorp Genetics (formerly Invitae), Labcorp
Classification: Uncertain significance. Last evaluated: 2024-03-04. Review status: criteria provided, single submitter. Criteria: Invitae Variant Classification Sherloc (09022015). Collection method: clinical testing. Allele origin: germline.
Comment: This sequence change replaces arginine, which is basic and polar, with glycine, which is neutral and non-polar, at codon 1084 of the CACNA2D4 protein (p.Arg1084Gly). This variant is present in population databases (rs762561386, gnomAD 0.006%). This variant has not been reported in the literature in individuals affected with CACNA2D4-related conditions. ClinVar contains an entry for this variant (Variation ID: 1917072). An algorithm developed to predict the effect of missense changes on protein structure and function (PolyPhen-2) suggests that this variant is likely to be disruptive. In summary, the available evidence is currently insufficient to determine the role of this variant in disease. Therefore, it has been classified as a Variant of Uncertain Significance.

Blueprint Genetics
Classification: Uncertain significance. Last evaluated: 2024-01-18. Review status: criteria provided, single submitter. Criteria: ACMG Guidelines, 2015. Collection method: clinical testing. Allele origin: germline.

Ambry Genetics
Classification: Uncertain significance for Inborn genetic diseases. Last evaluated: 2022-11-17. Review status: criteria provided, single submitter. Criteria: Ambry Variant Classification Scheme 2023. Collection method: clinical testing. Allele origin: germline.

NM_172364.5(CACNA2D4):c.3250C>G (p.Arg1084Gly)

Gene: CACNA2D4 (calcium voltage-gated channel auxiliary subunit alpha2delta 4; minus strand). Cytogenetic location: 12p13.33.
Variant type: single nucleotide variant.
Coding change: c.3250C>G on transcript NM_172364.5 (MANE Select); coding-DNA position 3250, C replaced by G.
Protein change: p.Arg1084Gly; replaces arginine 1084 with glycine.
Molecular consequence: missense variant.
Genome position (GRCh38, 1-based): chr12:1,795,358, G>C on the plus strand (C>G on the coding strand, the complement: CACNA2D4 is on the minus strand). VCF-style: chr12-1795358-G-C. GRCh37 (hg19) VCF-style: chr12-1904524-G-C.
Other names: short protein forms R1084G.
Identifiers: ClinVar variation 1917072 (VCV001917072.7), dbSNP rs762561386, ClinGen allele CA6386002.
Genomic context (GRCh38, chr12:1,795,358, plus strand): 5'-CCTCTGGATGGAAGGCGTGGCAGGAGTCTGGTCGCCGGCGGAGCTTCTGGGAGCGCATCC[G>C]GTCACATTTGACAGAGGCATTATGTGCAGAAGCCACTGTTAAGGTCAATATCTCAGGACC-3'
Protein context (NP_758952.4, residues 1074-1094): VKYNASVKCD[Arg1084Gly]MRSQKLRRRP